The following is an entry in ClinVar:

NM_032609.3(COX4I2):c.378C>T (p.Tyr126=)

Gene: COX4I2 (cytochrome c oxidase subunit 4I2; plus strand). Cytogenetic location: 20q11.21.
Variant type: single nucleotide variant.
Coding change: c.378C>T on transcript NM_032609.3 (MANE Select); coding-DNA position 378, C replaced by T.
Protein change: p.Tyr126=; no amino-acid change (tyrosine 126 retained).
Molecular consequence: synonymous variant.
Genome position (GRCh38, 1-based): chr20:31,643,534, C>T. VCF-style: chr20-31643534-C-T. GRCh37 (hg19) VCF-style: chr20-30231337-C-T.
Identifiers: ClinVar variation 2028039 (VCV002028039.4), dbSNP rs772547609, ClinGen allele CA314072752.

ClinVar aggregate classification (germline): Uncertain significance (1 of 4 stars; one submission).

Allele frequency attached by ClinVar (database versions not stated): TOPMed 0.00001; gnomAD 0.00003; gnomAD exomes 0.00001.
gnomAD v4.1: 16 of 1,613,936 alleles (0.00099%); highest among the groups gnomAD compares: Non-Finnish European, 0.0014%; no homozygotes.

Submission:

Labcorp Genetics (formerly Invitae), Labcorp
Classification: Uncertain significance. Last evaluated: 2023-05-08. Review status: criteria provided, single submitter. Criteria: Invitae Variant Classification Sherloc (09022015). Collection method: clinical testing. Allele origin: germline.
Comment: In summary, the available evidence is currently insufficient to determine the role of this variant in disease. Therefore, it has been classified as a Variant of Uncertain Significance. Algorithms developed to predict the effect of sequence changes on RNA splicing suggest that this variant is not likely to affect RNA splicing. ClinVar contains an entry for this variant (Variation ID: 2028039). This variant has not been reported in the literature in individuals affected with COX4I2-related conditions. This variant is present in population databases (rs772547609, gnomAD 0.002%). This sequence change affects codon 126 of the COX4I2 mRNA. It is a 'silent' change, meaning that it does not change the encoded amino acid sequence of the COX4I2 protein. It affects a nucleotide within the consensus splice site.